The following is an entry in ClinVar:

ClinVar aggregate classification (germline): Benign (0 of 4 stars; one submission).

Conditions:
PIK3C2B-related disorder. Also called: PIK3C2B-related condition.

Allele frequency attached by ClinVar (database versions not stated): TOPMed 0.02197; 1000 Genomes Project 0.02216; 1000 Genomes Project 30x 0.02311; ESP Exome Variant Server 0.02491; gnomAD 0.02616; ExAC 0.03080; gnomAD exomes 0.03452.
gnomAD v4.1: 54,072 of 1,612,666 alleles (3.4%); highest among the groups gnomAD compares: South Asian, 4.7%; 1,050 homozygotes.

Submission:

PreventionGenetics, part of Exact Sciences
Classification: Benign for PIK3C2B-related condition. Last evaluated: 2024-05-16. Review status: no assertion criteria provided. Collection method: clinical testing. Allele origin: germline.
Comment: This variant is classified as benign based on ACMG/AMP sequence variant interpretation guidelines (Richards et al. 2015 PMID: 25741868, with internal and published modifications).

NM_001377334.1(PIK3C2B):c.2052C>T (p.Ile684=)

Gene: PIK3C2B (phosphatidylinositol-4-phosphate 3-kinase catalytic subunit type 2 beta; minus strand). Cytogenetic location: 1q32.1.
Variant type: single nucleotide variant.
Coding change: c.2052C>T on transcript NM_001377334.1 (MANE Select); coding-DNA position 2052, C replaced by T.
Protein change: p.Ile684=; no amino-acid change (isoleucine 684 retained).
Molecular consequence: synonymous variant.
Genome position (GRCh38, 1-based): chr1:204,454,683, G>A on the plus strand (C>T on the coding strand, the complement: PIK3C2B is on the minus strand). VCF-style: chr1-204454683-G-A. GRCh37 (hg19) VCF-style: chr1-204423811-G-A.
Other names: c.2052C>T, p.Ile684= (NM_001377335.1, NM_002646.4).
Identifiers: ClinVar variation 3056606 (VCV003056606.2), dbSNP rs61762608, ClinGen allele CA1347808.